The following is an entry in ClinVar:

ClinVar aggregate classification (germline): Uncertain significance (1 of 4 stars; one submission).

Conditions:
Cardiovascular phenotype. Identifiers: MedGen CN230736.

gnomAD v4.1: 1 of 1,528,868 alleles (0.000065%); highest among the groups gnomAD compares: Admixed American, 0.002%; no homozygotes.

Submission:

Ambry Genetics
Classification: Uncertain significance for Cardiovascular phenotype. Last evaluated: 2026-07-13. Review status: criteria provided, single submitter. Criteria: Ambry Variant Classification Scheme 2023. Collection method: clinical testing. Allele origin: germline.
Comment: The p.P943R variant (also known as c.2828C>G), located in coding exon 8 of the HCN4 gene, results from a C to G substitution at nucleotide position 2828. The proline at codon 943 is replaced by arginine, an amino acid with dissimilar properties. This amino acid position is conserved. In addition, the in silico prediction for this alteration is inconclusive. Based on the available evidence, the clinical significance of this variant remains unclear.

NM_005477.3(HCN4):c.2828C>G (p.Pro943Arg)

Gene: HCN4 (hyperpolarization activated cyclic nucleotide gated potassium channel 4; minus strand). Cytogenetic location: 15q24.1.
Variant type: single nucleotide variant.
Coding change: c.2828C>G on transcript NM_005477.3 (MANE Select); coding-DNA position 2828, C replaced by G.
Protein change: p.Pro943Arg; replaces proline 943 with arginine.
Molecular consequence: missense variant.
Genome position (GRCh38, 1-based): chr15:73,323,265, G>C on the plus strand (C>G on the coding strand, the complement: HCN4 is on the minus strand). VCF-style: chr15-73323265-G-C. GRCh37 (hg19) VCF-style: chr15-73615606-G-C.
Other names: short protein forms P943R.
Identifiers: ClinVar variation 5022621 (VCV005022621.1).